The following is an entry in ClinVar:

NM_016562.4(TLR7):c.2737G>A (p.Val913Met)

Gene: TLR7 (toll like receptor 7; plus strand). Cytogenetic location: Xp22.2.
Variant type: single nucleotide variant.
Coding change: c.2737G>A on transcript NM_016562.4 (MANE Select); coding-DNA position 2737, G replaced by A.
Protein change: p.Val913Met; replaces valine 913 with methionine.
Molecular consequence: missense variant.
Genome position (GRCh38, 1-based): chrX:12,888,245, G>A. VCF-style: chrX-12888245-G-A. GRCh37 (hg19) VCF-style: chrX-12906364-G-A.
Other names: short protein forms V913M.
Identifiers: ClinVar variation 2796956 (VCV002796956.3), dbSNP rs777981131, ClinGen allele CA10350105.
Genomic context (GRCh38, chrX:12,888,245, plus strand): 5'-GCTTTTATTGTGTATGACACTAAAGACCCAGCTGTGACCGAGTGGGTTTTGGCTGAGCTG[G>A]TGGCCAAACTGGAAGACCCAAGAGAGAAACATTTTAATTTATGTCTCGAGGAAAGGGACT-3'
Protein context (NP_057646.1, residues 903-923): AVTEWVLAEL[Val913Met]AKLEDPREKH

ClinVar aggregate classification (germline): Uncertain significance (1 of 4 stars; one submission).

Allele frequency attached by ClinVar (database versions not stated): ExAC 0.00001; gnomAD exomes below 0.00001; TOPMed 0.00001.
gnomAD v4.1: 2 of 1,211,772 alleles (0.00017%); highest among the groups gnomAD compares: Non-Finnish European, 0.00022%; no homozygotes.

Submission:

Labcorp Genetics (formerly Invitae), Labcorp
Classification: Uncertain significance. Last evaluated: 2025-10-21. Review status: criteria provided, single submitter. Criteria: Invitae Variant Classification Sherloc (09022015). Collection method: clinical testing. Allele origin: germline.
Comment: This sequence change replaces valine, which is neutral and non-polar, with methionine, which is neutral and non-polar, at codon 913 of the TLR7 protein (p.Val913Met). The frequency data for this variant in the population databases is considered unreliable, as metrics indicate poor data quality at this position in the gnomAD database. This variant has not been reported in the literature in individuals affected with TLR7-related conditions. ClinVar contains an entry for this variant (Variation ID: 2796956). An algorithm developed to predict the effect of missense changes on protein structure and function (PolyPhen-2) suggests that this variant is likely to be disruptive. In summary, the available evidence is currently insufficient to determine the role of this variant in disease. Therefore, it has been classified as a Variant of Uncertain Significance.